The following is an entry in ClinVar:

ClinVar aggregate classification (germline): Conflicting classifications of pathogenicity. Review status: criteria provided, conflicting classifications (1 of 4 stars). 2 submissions from 2 submitters: Uncertain significance (1); Likely benign (1). Last evaluated 2026-02-01.

Conditions:
Epidermolysis bullosa dystrophica. Also called: Dystrophic epidermolysis bullosa, Hallopeau-Siemens type (formerly); Dystrophic epidermolysis bullosa. Identifiers: Orphanet 303, MedGen C0079294, MONDO:0006543.

Allele frequency attached by ClinVar (database versions not stated): ExAC 0.00001; gnomAD exomes 0.00002 and 0.00005; TOPMed 0.00002; gnomAD 0.00003; ESP Exome Variant Server 0.00008.
gnomAD v4.1: 71 of 1,613,704 alleles (0.0044%); highest among the groups gnomAD compares: Non-Finnish European, 0.0058%; no homozygotes.

Submissions (2):

Labcorp Genetics (formerly Invitae), Labcorp
Classification: Likely benign. Last evaluated: 2026-02-01. Review status: criteria provided, single submitter. Criteria: Invitae Variant Classification Sherloc (09022015). Collection method: clinical testing. Allele origin: germline.

Illumina Laboratory Services, Illumina
Classification: Uncertain significance for Dystrophic epidermolysis bullosa. Last evaluated: 2017-04-27. Review status: criteria provided, single submitter. Criteria: ICSL Variant Classification Criteria 13 December 2019. Collection method: clinical testing. Allele origin: germline.
Comment: This variant was observed as part of a predisposition screen in an ostensibly healthy population. A literature search was performed for the gene, cDNA change, and amino acid change (where applicable). Publications were found based on this search. However, the evidence from the literature, in combination with allele frequency data from public databases where available, was not sufficient to rule this variant in or out of causing disease. Therefore, this variant is classified as a variant of unknown significance.

Literature cited by the submitters: PubMed 16971478 (cited by Illumina Laboratory Services, Illumina).

NM_000094.4(COL7A1):c.5772+11C>T

Gene: COL7A1 (collagen type VII alpha 1 chain; minus strand). Cytogenetic location: 3p21.31.
Variant type: single nucleotide variant.
Coding change: c.5772+11C>T on transcript NM_000094.4 (MANE Select); 11 bases into the intron after coding-DNA position 5772, C replaced by T.
Molecular consequence: intron variant.
Genome position (GRCh38, 1-based): chr3:48,576,389, G>A on the plus strand (C>T on the coding strand, the complement: COL7A1 is on the minus strand). VCF-style: chr3-48576389-G-A. GRCh37 (hg19) VCF-style: chr3-48613822-G-A.
Identifiers: ClinVar variation 902402 (VCV000902402.7), dbSNP rs375161918, ClinGen allele CA2379336.